The following is an entry in ClinVar:

ClinVar aggregate classification (germline): Uncertain significance (1 of 4 stars; one submission).

Conditions:
Inborn genetic diseases. Identifiers: MedGen C0950123, MeSH D030342.

gnomAD v4.1: 1 of 1,613,616 alleles (0.000062%); highest among the groups gnomAD compares: Non-Finnish European, 0.000085%; no homozygotes.

Submission:

Ambry Genetics
Classification: Uncertain significance for Inborn genetic diseases. Last evaluated: 2020-09-09. Review status: criteria provided, single submitter. Criteria: Ambry Variant Classification Scheme 2023. Collection method: clinical testing. Allele origin: germline.
Comment: The p.I4156F variant (also known as c.12466A>T), located in coding exon 68 of the DST gene, results from an A to T substitution at nucleotide position 12466. The isoleucine at codon 4156 is replaced by phenylalanine, an amino acid with highly similar properties. This amino acid position is well conserved in available vertebrate species. In addition, this alteration is predicted to be tolerated by in silico analysis. Since supporting evidence is conflicting at this time, the clinical significance of this alteration remains unclear.

NM_001374736.1(DST):c.18823A>T (p.Ile6275Phe)

Gene: DST (dystonin; minus strand). Cytogenetic location: 6p12.1.
Variant type: single nucleotide variant.
Coding change: c.18823A>T on transcript NM_001374736.1 (MANE Select); coding-DNA position 18823, A replaced by T.
Protein change: p.Ile6275Phe; replaces isoleucine 6275 with phenylalanine.
Molecular consequence: missense variant.
Genome position (GRCh38, 1-based): chr6:56,509,831, T>A on the plus strand (A>T on the coding strand, the complement: DST is on the minus strand). VCF-style: chr6-56509831-T-A. GRCh37 (hg19) VCF-style: chr6-56374629-T-A.
Other names: c.12466A>T, p.Ile4156Phe (NM_001144769.5); c.12052A>T, p.Ile4018Phe (NM_001144770.2); c.18823A>T, p.Ile6275Phe (NM_001374722.1); c.17863A>T, p.Ile5955Phe (NM_001374729.1); c.11605A>T, p.Ile3869Phe (NM_001374730.1); c.18850A>T, p.Ile6284Phe (NM_001374734.1); c.11932A>T, p.Ile3978Phe (NM_001386100.1, NM_183380.4); c.10954A>T, p.Ile3652Phe (NM_015548.5); short protein forms I5955F, I3652F, I3978F, I6284F, I4156F, I3869F, I4018F, I6275F.
Identifiers: ClinVar variation 1759540 (VCV001759540.2), dbSNP rs1452666088, ClinGen allele CA364524342.
Genomic context (GRCh38, chr6:56,509,831, plus strand): 5'-GTTCCTTGATCTTCTCAACCTCTGCAGAGATAGAGGGTGGCTGCCTCAGACGTTCCACGA[T>A]GCGTTCCAGGCTCTCAAGGATCTGATCTATCTTGTCATGGAACTAGGGGCAAAACAAAGA-3'
Protein context (NP_001361665.1, residues 6265-6285): IDQILESLER[Ile6275Phe]VERLRQPPSI